The following is an entry in ClinVar:

NM_001127208.3(TET2):c.1954C>T (p.Gln652Ter)

Genes: TET2 (tet methylcytosine dioxygenase 2; plus strand), TET2-AS1 (TET2 antisense RNA 1; minus strand). Cytogenetic location: 4q24.
Variant type: single nucleotide variant.
Coding change: c.1954C>T on transcript NM_001127208.3 (MANE Select); coding-DNA position 1954, C replaced by T.
Protein change: p.Gln652Ter; replaces glutamine 652 with a stop codon.
Molecular consequence: nonsense.
Genome position (GRCh38, 1-based): chr4:105,235,896, C>T. VCF-style: chr4-105235896-C-T. GRCh37 (hg19) VCF-style: chr4-106157053-C-T.
Other names: c.1954C>T, p.Gln652Ter (NM_017628.4); short protein forms Q652*.
Identifiers: ClinVar variation 3621564 (VCV003621564.2).
Genomic context (GRCh38, chr4:105,235,896, plus strand): 5'-CAAATGTACCAAGTTGAAATGAATCAAGGGCAGTCCCAAGGTACAGTGGACCAACATCTC[C>T]AGTTCCAAAAACCCTCACACCAGGTGCACTTCTCCAAAACAGACCATTTACCAAAAGCTC-3'

ClinVar aggregate classification (germline): Pathogenic (1 of 4 stars; one submission).

Submission:

Labcorp Genetics (formerly Invitae), Labcorp
Classification: Pathogenic. Last evaluated: 2024-07-19. Review status: criteria provided, single submitter. Criteria: Invitae Variant Classification Sherloc (09022015). Collection method: clinical testing. Allele origin: germline.
Comment: This sequence change creates a premature translational stop signal (p.Gln652*) in the TET2 gene. It is expected to result in an absent or disrupted protein product. Loss-of-function variants in TET2 are known to be pathogenic (PMID: 36066697). The frequency data for this variant in the population databases is considered unreliable, as metrics indicate poor data quality at this position in the gnomAD database. This variant has not been reported in the literature in individuals affected with TET2-related conditions. For these reasons, this variant has been classified as Pathogenic.

Literature cited by the submitters: PubMed 36066697.